The following is an entry in ClinVar:

NM_000264.5(PTCH1):c.3104T>G (p.Val1035Gly)

Gene: PTCH1 (patched 1; minus strand). Cytogenetic location: 9q22.32.
Variant type: single nucleotide variant.
Coding change: c.3104T>G on transcript NM_000264.5 (MANE Select); coding-DNA position 3104, T replaced by G.
Protein change: p.Val1035Gly; replaces valine 1035 with glycine.
Molecular consequence: missense variant. On other transcripts: non-coding transcript variant (1).
Genome position (GRCh38, 1-based): chr9:95,458,077, A>C on the plus strand (T>G on the coding strand, the complement: PTCH1 is on the minus strand). VCF-style: chr9-95458077-A-C. GRCh37 (hg19) VCF-style: chr9-98220359-A-C.
Other names: c.2906T>G, p.Val969Gly (NM_001083602.3); c.3101T>G, p.Val1034Gly (NM_001083603.3); c.2651T>G, p.Val884Gly (NM_001083604.3, NM_001083605.3, NM_001083606.3 and 1 more transcripts); c.2948T>G, p.Val983Gly (NM_001354918.2); short protein forms V1035G, V983G, V969G, V1034G, V884G.
Identifiers: ClinVar variation 1727675 (VCV001727675.3), dbSNP rs1588539867, ClinGen allele CA374112382.
Genomic context (GRCh38, chr9:95,458,077, plus strand): 5'-ATCCCGGCCGTCCAGGGGTTCAGAAGGAAGACAGCGCACACGAGGAATGTGCAGGCCAAC[A>C]CCACGCTGATGAACAGCAGCAGCCAGTGGCGGAGGCCGATGTACTGCTCCCAGAAGAGGA-3'
Protein context (NP_000255.2, residues 1025-1045): RHWLLLFISV[Val1035Gly]LACTFLVCAV

ClinVar aggregate classification (germline): Uncertain significance (1 of 4 stars; one submission).

Conditions:
Hereditary cancer-predisposing syndrome. Also called: Tumor predisposition; Hereditary neoplastic syndrome; Neoplastic Syndromes, Hereditary; Hereditary Cancer Syndrome. Identifiers: Orphanet 140162, MedGen C0027672, MeSH D009386, MONDO:0015356.

Submission:

Ambry Genetics
Classification: Uncertain significance for Hereditary cancer-predisposing syndrome. Last evaluated: 2026-07-29. Review status: criteria provided, single submitter. Criteria: Ambry Variant Classification Scheme 2023. Collection method: clinical testing. Allele origin: germline.
Comment: The p.V1035G variant (also known as c.3104T>G), located in coding exon 18 of the PTCH1 gene, results from a T to G substitution at nucleotide position 3104. The valine at codon 1035 is replaced by glycine, an amino acid with dissimilar properties. This amino acid position is highly conserved in available vertebrate species. In addition, this alteration is predicted to be deleterious by in silico analysis. Based on the available evidence, the clinical significance of this variant remains unclear.